The following is an entry in ClinVar:

ClinVar aggregate classification (germline): Likely benign. Review status: criteria provided, single submitter (1 of 4 stars). 2 submissions from 2 submitters: Likely benign (1). 1 of the submissions does not count toward it. Last evaluated 2023-12-03.

Conditions:
TBK1-related disorder. Also called: TBK1-related condition.
Frontotemporal dementia and/or amyotrophic lateral sclerosis 4. Also called: FTDALS4. Identifiers: Orphanet 275872, MedGen C4225325, MONDO:0014641, OMIM 616439.

Submissions (2):

Labcorp Genetics (formerly Invitae), Labcorp
Classification: Likely benign for Frontotemporal dementia and/or amyotrophic lateral sclerosis 4. Last evaluated: 2023-12-03. Review status: criteria provided, single submitter. Criteria: Invitae Variant Classification Sherloc (09022015). Collection method: clinical testing. Allele origin: germline.

PreventionGenetics, part of Exact Sciences
Classification: Likely benign for TBK1-related condition. Last evaluated: 2023-12-06. Review status: no assertion criteria provided. Collection method: clinical testing. Allele origin: germline. Not counted in ClinVar's aggregate classification.
Comment: This variant is classified as likely benign based on ACMG/AMP sequence variant interpretation guidelines (Richards et al. 2015 PMID: 25741868, with internal and published modifications).

NM_013254.4(TBK1):c.744A>C (p.Gly248=)

Gene: TBK1 (TANK binding kinase 1; plus strand). Cytogenetic location: 12q14.2.
Variant type: single nucleotide variant.
Coding change: c.744A>C on transcript NM_013254.4 (MANE Select); coding-DNA position 744, A replaced by C.
Protein change: p.Gly248=; no amino-acid change (glycine 248 retained).
Molecular consequence: synonymous variant.
Genome position (GRCh38, 1-based): chr12:64,480,054, A>C. VCF-style: chr12-64480054-A-C. GRCh37 (hg19) VCF-style: chr12-64873834-A-C.
Other names: c.744A>C (NM_013254.3).
Identifiers: ClinVar variation 2700582 (VCV002700582.4), dbSNP rs1415628606, ClinGen allele CA480555303.